The following is an entry in ClinVar:

NM_001614.5(ACTG1):c.493A>G (p.Ile165Val)

Gene: ACTG1 (actin gamma 1; minus strand). Cytogenetic location: 17q25.3.
Variant type: single nucleotide variant.
Coding change: c.493A>G on transcript NM_001614.5 (MANE Select); coding-DNA position 493, A replaced by G.
Protein change: p.Ile165Val; replaces isoleucine 165 with valine.
Molecular consequence: missense variant. On other transcripts: non-coding transcript variant (1).
Genome position (GRCh38, 1-based): chr17:81,511,497, T>C on the plus strand (A>G on the coding strand, the complement: ACTG1 is on the minus strand). VCF-style: chr17-81511497-T-C. GRCh37 (hg19) VCF-style: chr17-79478523-T-C.
Other names: c.493A>G, p.Ile165Val (NM_001199954.3); short protein forms I165V.
Identifiers: ClinVar variation 978237 (VCV000978237.5), dbSNP rs2031770749, ClinGen allele CA401460965.

ClinVar aggregate classification (germline): Likely pathogenic (1 of 4 stars; one submission).

Conditions:
Autosomal dominant nonsyndromic hearing loss 20. Identifiers: Orphanet 90635, MedGen C1858172, MONDO:0011480, OMIM 604717.

Submission:

Institute of Human Genetics, University of Goettingen
Classification: Likely pathogenic for Autosomal dominant nonsyndromic hearing loss 20. Last evaluated: 2021-08-26. Review status: criteria provided, single submitter. Criteria: ACMG Guidelines, 2015. Collection method: clinical testing. Allele origin: unknown. Inheritance: Autosomal dominant inheritance. Observed: 1 heterozygote.
Comment: The variant c.493A>G (p.(Ile165Val)) in exon 4 of the ACTG1-gene is not found in known databases (ExAC or gnomAD), it affects a highly conserved nucleotide, a highly conserved amino acid and there is a small physicochemical difference between Ile and Val. This variant is located within the protein domain "Actin-like" (InterPro: IPR004000) and has a pathogenic computational verdict based on 9 pathogenic predictions from BayesDel_addAF, DANN, DEOGEN2, FATHMM-MKL, M-CAP, MutationTaster, SIFT, PolyPhen-2 and REVEL vs 4 benign predictions from EIGEN, MVP, MutationAssessor and PrimateAI. ACMG criteria used for classification: PM2, PM6, PP3, PP2.